The following is an entry in ClinVar:

ClinVar aggregate classification (germline): Uncertain significance. Review status: criteria provided, multiple submitters, no conflicts (2 of 4 stars). 2 submissions from 2 submitters: Uncertain significance (2). Last evaluated 2022-08-19.

Conditions:
Inborn genetic diseases. Identifiers: MedGen C0950123, MeSH D030342.
Hypermethioninemia with deficiency of S-adenosylhomocysteine hydrolase. Identifiers: Orphanet 88618, MedGen C3151058, MONDO:0013404, OMIM 613752.

Allele frequency attached by ClinVar (database versions not stated): ExAC 0.00003; gnomAD exomes 0.00005 and 0.00014; gnomAD 0.00007; TOPMed 0.00009; ESP Exome Variant Server 0.00015.
gnomAD v4.1: 214 of 1,614,066 alleles (0.013%); highest among the groups gnomAD compares: Non-Finnish European, 0.018%; no homozygotes.

Submissions (2):

Labcorp Genetics (formerly Invitae), Labcorp
Classification: Uncertain significance for Hypermethioninemia with deficiency of S-adenosylhomocysteine hydrolase. Last evaluated: 2022-08-19. Review status: criteria provided, single submitter. Criteria: Invitae Variant Classification Sherloc (09022015). Collection method: clinical testing. Allele origin: germline.
Comment: This sequence change replaces tyrosine, which is neutral and polar, with histidine, which is basic and polar, at codon 257 of the AHCY protein (p.Tyr257His). This variant is present in population databases (rs140810436, gnomAD 0.01%). This variant has not been reported in the literature in individuals affected with AHCY-related conditions. ClinVar contains an entry for this variant (Variation ID: 1386099). Algorithms developed to predict the effect of missense changes on protein structure and function are either unavailable or do not agree on the potential impact of this missense change (SIFT: "Not Available"; PolyPhen-2: "Probably Damaging"; Align-GVGD: "Not Available"). In summary, the available evidence is currently insufficient to determine the role of this variant in disease. Therefore, it has been classified as a Variant of Uncertain Significance.

Ambry Genetics
Classification: Uncertain significance for Inborn genetic diseases. Last evaluated: 2022-01-27. Review status: criteria provided, single submitter. Criteria: Ambry Variant Classification Scheme 2023. Collection method: clinical testing. Allele origin: germline.

Literature cited by the submitters: PubMed 29205322 (cited by Ambry Genetics).

NM_000687.4(AHCY):c.769T>C (p.Tyr257His)

Gene: AHCY (adenosylhomocysteinase; minus strand). Cytogenetic location: 20q11.22.
Variant type: single nucleotide variant.
Coding change: c.769T>C on transcript NM_000687.4 (MANE Select); coding-DNA position 769, T replaced by C.
Protein change: p.Tyr257His; replaces tyrosine 257 with histidine.
Molecular consequence: missense variant.
Genome position (GRCh38, 1-based): chr20:34,290,636, A>G on the plus strand (T>C on the coding strand, the complement: AHCY is on the minus strand). VCF-style: chr20-34290636-A-G. GRCh37 (hg19) VCF-style: chr20-32878442-A-G.
Other names: c.769T>C (NM_000687.2); c.685T>C, p.Tyr229His (NM_001161766.2, NM_001322084.2, NM_001322085.2); c.775T>C, p.Tyr259His (NM_001322086.2); c.769T>C, p.Tyr257His (NM_001362750.2); short protein forms Y229H, Y257H, Y259H.
Identifiers: ClinVar variation 1386099 (VCV001386099.4), dbSNP rs140810436, ClinGen allele CA9820889.
Genomic context (GRCh38, chr20:34,290,636, plus strand): 5'-CTGTGGTGGTGACAAAGATGTTGCCCTCCTGACAGGCCTCATCCATGGTGGTCACCTCAT[A>G]GCCTGTGCAGAGACAGTGGCTGTGGGTCATCTACGGTGGCCTTGCCCCTCCCTCTGGCCC-3'
Protein context (NP_000678.1, residues 247-267): INALQAAMEG[Tyr257His]EVTTMDEACQ